The following is an entry in ClinVar:

ClinVar aggregate classification (germline): Uncertain significance. Review status: criteria provided, multiple submitters, no conflicts (2 of 4 stars). 2 submissions from 2 submitters: Uncertain significance (2). Last evaluated 2021-11-10.

Conditions:
Hereditary cancer-predisposing syndrome. Also called: Tumor predisposition; Hereditary neoplastic syndrome; Neoplastic Syndromes, Hereditary; Hereditary Cancer Syndrome. Identifiers: Orphanet 140162, MedGen C0027672, MeSH D009386, MONDO:0015356.
Cardiovascular phenotype. Identifiers: MedGen CN230736.
Neurofibromatosis, type 1 (NF1). Also called: VON RECKLINGHAUSEN DISEASE; NEUROFIBROMATOSIS, TYPE I, SOMATIC; Peripheral type neurofibromatosis; Neurofibromatosis, type I. Identifiers: Orphanet 636, MedGen C0027831, MONDO:0018975, OMIM 162200. Disease mechanism: loss of function.

gnomAD v4.1: 1 of 1,612,774 alleles (0.000062%); highest among the groups gnomAD compares: Non-Finnish European, 0.000085%; no homozygotes.

Submissions (2):

Ambry Genetics
Classification: Uncertain significance for Cardiovascular phenotype; Hereditary cancer-predisposing syndrome. Last evaluated: 2021-11-10. Review status: criteria provided, single submitter. Criteria: Ambry Variant Classification Scheme 2023. Collection method: clinical testing. Allele origin: germline.

Labcorp Genetics (formerly Invitae), Labcorp
Classification: Uncertain significance for Neurofibromatosis, type 1. Last evaluated: 2021-10-28. Review status: criteria provided, single submitter. Criteria: Invitae Variant Classification Sherloc (09022015). Collection method: clinical testing. Allele origin: germline.
Comment: This variant has not been reported in the literature in individuals affected with NF1-related conditions. This variant is not present in population databases (gnomAD no frequency). This sequence change replaces methionine, which is neutral and non-polar, with threonine, which is neutral and polar, at codon 877 of the NF1 protein (p.Met877Thr). Advanced modeling of protein sequence and biophysical properties (such as structural, functional, and spatial information, amino acid conservation, physicochemical variation, residue mobility, and thermodynamic stability) performed at Invitae indicates that this missense variant is not expected to disrupt NF1 protein function. In summary, the available evidence is currently insufficient to determine the role of this variant in disease. Therefore, it has been classified as a Variant of Uncertain Significance.

NM_001042492.3(NF1):c.2630T>C (p.Met877Thr)

Gene: NF1 (neurofibromin 1; plus strand). Cytogenetic location: 17q11.2.
Variant type: single nucleotide variant.
Coding change: c.2630T>C on transcript NM_001042492.3 (MANE Select); coding-DNA position 2630, T replaced by C.
Protein change: p.Met877Thr; replaces methionine 877 with threonine.
Molecular consequence: missense variant.
Genome position (GRCh38, 1-based): chr17:31,229,245, T>C. VCF-style: chr17-31229245-T-C. GRCh37 (hg19) VCF-style: chr17-29556263-T-C.
Other names: c.2630T>C, p.Met877Thr (NM_000267.4); short protein forms M877T.
Identifiers: ClinVar variation 1501439 (VCV001501439.8), dbSNP rs2151429296, ClinGen allele CA398984561.